The following is an entry in ClinVar:

ClinVar aggregate classification (germline): Uncertain significance (1 of 4 stars; one submission).

Submission:

Labcorp Genetics (formerly Invitae), Labcorp
Classification: Uncertain significance. Last evaluated: 2024-01-09. Review status: criteria provided, single submitter. Criteria: Invitae Variant Classification Sherloc (09022015). Collection method: clinical testing. Allele origin: germline.
Comment: This sequence change replaces glutamine, which is neutral and polar, with leucine, which is neutral and non-polar, at codon 5519 of the ADGRV1 protein (p.Gln5519Leu). This variant is not present in population databases (gnomAD no frequency). This variant has not been reported in the literature in individuals affected with ADGRV1-related conditions. ClinVar contains an entry for this variant (Variation ID: 1972276). Advanced modeling of protein sequence and biophysical properties (such as structural, functional, and spatial information, amino acid conservation, physicochemical variation, residue mobility, and thermodynamic stability) performed at Invitae indicates that this missense variant is not expected to disrupt ADGRV1 protein function with a negative predictive value of 95%. In summary, the available evidence is currently insufficient to determine the role of this variant in disease. Therefore, it has been classified as a Variant of Uncertain Significance.

NM_032119.4(ADGRV1):c.16556A>T (p.Gln5519Leu)

Gene: ADGRV1 (adhesion G protein-coupled receptor V1; plus strand). Cytogenetic location: 5q14.3.
Variant type: single nucleotide variant.
Coding change: c.16556A>T on transcript NM_032119.4 (MANE Select); coding-DNA position 16556, A replaced by T.
Protein change: p.Gln5519Leu; replaces glutamine 5519 with leucine.
Molecular consequence: missense variant. On other transcripts: non-coding transcript variant (1).
Genome position (GRCh38, 1-based): chr5:90,829,131, A>T. VCF-style: chr5-90829131-A-T. GRCh37 (hg19) VCF-style: chr5-90124948-A-T.
Other names: short protein forms Q5519L.
Identifiers: ClinVar variation 1972276 (VCV001972276.5), dbSNP rs2532353016, ClinGen allele CA360427237.